The following is an entry in ClinVar:

NM_004168.4(SDHA):c.1009C>G (p.Leu337Val)

Gene: SDHA (succinate dehydrogenase complex flavoprotein subunit A; plus strand). Cytogenetic location: 5p15.33.
Variant type: single nucleotide variant.
Coding change: c.1009C>G on transcript NM_004168.4 (MANE Select); coding-DNA position 1009, C replaced by G.
Protein change: p.Leu337Val; replaces leucine 337 with valine.
Molecular consequence: missense variant.
Genome position (GRCh38, 1-based): chr5:233,590, C>G. VCF-style: chr5-233590-C-G. GRCh37 (hg19) VCF-style: chr5-233705-C-G.
Other names: c.1009C>G (NM_004168.2); c.865C>G, p.Leu289Val (NM_001294332.2); c.1009C>G, p.Leu337Val (NM_001330758.2); short protein forms L289V, L337V.
Identifiers: ClinVar variation 1176805 (VCV001176805.36), dbSNP rs1735560308, ClinGen allele CA359012854.
Genomic context (GRCh38, chr5:233,590, plus strand): 5'-ATTCTCATTAACAGTCAAGGCGAAAGGTTTATGGAGCGATACGCCCCTGTCGCGAAGGAC[C>G]TGGCGTCTAGAGATGTGGTGTCTCGGTCCATGACTCTGGAGATCCGAGAAGGAAGGTGCG-3'
Protein context (NP_004159.2, residues 327-347): MERYAPVAKD[Leu337Val]ASRDVVSRSM

ClinVar aggregate classification (germline): Uncertain significance. Review status: criteria provided, multiple submitters, no conflicts (2 of 4 stars). 2 submissions from 2 submitters: Uncertain significance (2). Last evaluated 2024-10-25.

Conditions:
Hereditary cancer-predisposing syndrome. Also called: Hereditary neoplastic syndrome; Hereditary Cancer Syndrome; Neoplastic Syndromes, Hereditary; Tumor predisposition. Identifiers: Orphanet 140162, MedGen C0027672, MeSH D009386, MONDO:0015356.

Allele frequency attached by ClinVar (database versions not stated): gnomAD exomes below 0.00001.
gnomAD v4.1: 1 of 1,614,200 alleles (0.000062%); highest among the groups gnomAD compares: Non-Finnish European, 0.000085%; no homozygotes.

Submissions (2):

Ambry Genetics
Classification: Uncertain significance for Hereditary cancer-predisposing syndrome. Last evaluated: 2024-10-25. Review status: criteria provided, single submitter. Criteria: Ambry Variant Classification Scheme 2023. Collection method: clinical testing. Allele origin: germline.
Comment: The p.L337V variant (also known as c.1009C>G), located in coding exon 8 of the SDHA gene, results from a C to G substitution at nucleotide position 1009. The leucine at codon 337 is replaced by valine, an amino acid with highly similar properties. This amino acid position is conserved. In addition, the in silico prediction for this alteration is inconclusive. Based on the available evidence, the clinical significance of this variant remains unclear.

CeGaT Center for Human Genetics Tuebingen
Classification: Uncertain significance. Last evaluated: 2021-06-01. Review status: criteria provided, single submitter. Criteria: CeGaT Center For Human Genetics Tuebingen Variant Classification Criteria Version 2. Collection method: clinical testing. Allele origin: germline. Affected: yes. Observed: 1 variant allele.